The following is an entry in ClinVar:

NC_000017.10:g.(?_59924452)_(59938900_?)del

Gene: BRIP1 (BRCA1 interacting DNA helicase 1; minus strand). Cytogenetic location: 17q23.2.
Variant type: Deletion.
Identifiers: ClinVar variation 1456886 (VCV001456886.6).

ClinVar aggregate classification (germline): Pathogenic (1 of 4 stars; one submission).

Conditions:
Familial cancer of breast. Also called: hereditary breast carcinoma; BREAST CANCER, FAMILIAL; Hereditary breast cancer. Identifiers: Orphanet 227535, MedGen C0346153, MONDO:0016419, OMIM 114480. Disease mechanism: loss of function.
Fanconi anemia complementation group J. Also called: BRIP1-Related Fanconi Anemia. Identifiers: Orphanet 84, MedGen C1836860, MONDO:0012187, OMIM 609054.

Submission:

Labcorp Genetics (formerly Invitae), Labcorp
Classification: Pathogenic for Familial cancer of breast; Fanconi anemia complementation group J. Last evaluated: 2022-08-16. Review status: criteria provided, single submitter. Criteria: Invitae Variant Classification Sherloc (09022015). Collection method: clinical testing. Allele origin: germline.
Comment: For these reasons, this variant has been classified as Pathogenic. This variant has not been reported in the literature in individuals affected with BRIP1-related conditions. This variant is a gross deletion of the genomic region encompassing exon(s) 2-6 of the BRIP1 gene, which includes the initiator codon. This deletion extends beyond the assayed region for this gene and therefore may encompass additional genes. It is expected to result in an absent or disrupted protein product. Loss-of-function variants in BRIP1 are known to be pathogenic (PMID: 16116423, 17033622, 21964575).

Literature cited by the submitters: PubMed 16116423; PubMed 17033622; PubMed 21964575.